The following is an entry in ClinVar:

ClinVar aggregate classification (germline): Uncertain significance (1 of 4 stars; one submission).

Conditions:
Autoimmune lymphoproliferative syndrome type 2A (ALPS2A). Also called: CASP10-Related Autoimmune Lymphoproliferative Syndrome; AUTOIMMUNE LYMPHOPROLIFERATIVE SYNDROME, TYPE IIA; Autoimmune lymphoproliferative syndrome type 2. Identifiers: Orphanet 3261, MedGen C1858968, MONDO:0011383, OMIM 603909.

Allele frequency attached by ClinVar (database versions not stated): ExAC 0.00001; gnomAD 0.00001; gnomAD exomes 0.00001 and 0.00002; TOPMed 0.00002.
gnomAD v4.1: 33 of 1,614,056 alleles (0.002%); highest among the groups gnomAD compares: Middle Eastern, 0.016%; no homozygotes.

Submission:

Labcorp Genetics (formerly Invitae), Labcorp
Classification: Uncertain significance for Autoimmune lymphoproliferative syndrome type 2A. Last evaluated: 2025-11-08. Review status: criteria provided, single submitter. Criteria: Invitae Variant Classification Sherloc (09022015). Collection method: clinical testing. Allele origin: germline.
Comment: This sequence change replaces serine, which is neutral and polar, with leucine, which is neutral and non-polar, at codon 367 of the CASP10 protein (p.Ser367Leu). This variant is present in population databases (rs774726645, gnomAD 0.003%). This variant has not been reported in the literature in individuals affected with CASP10-related conditions. ClinVar contains an entry for this variant (Variation ID: 999145). Invitae Evidence Modeling of protein sequence and biophysical properties (such as structural, functional, and spatial information, amino acid conservation, physicochemical variation, residue mobility, and thermodynamic stability) indicates that this missense variant is expected to disrupt CASP10 protein function with a positive predictive value of 80%. In summary, the available evidence is currently insufficient to determine the role of this variant in disease. Therefore, it has been classified as a Variant of Uncertain Significance.

NM_032977.4(CASP10):c.1100C>T (p.Ser367Leu)

Gene: CASP10 (caspase 10; plus strand). Cytogenetic location: 2q33.1.
Variant type: single nucleotide variant.
Coding change: c.1100C>T on transcript NM_032977.4 (MANE Select); coding-DNA position 1100, C replaced by T.
Protein change: p.Ser367Leu; replaces serine 367 with leucine.
Molecular consequence: missense variant. On other transcripts: 3 prime UTR variant (1).
Genome position (GRCh38, 1-based): chr2:201,209,247, C>T. VCF-style: chr2-201209247-C-T. GRCh37 (hg19) VCF-style: chr2-202073970-C-T.
Other names: c.899C>T, p.Ser300Leu (NM_001206524.2); c.971C>T, p.Ser324Leu (NM_001206542.2, NM_001230.5); c.1100C>T, p.Ser367Leu (NM_032974.5); c.*186C>T (NM_032976.4); short protein forms S300L, S324L, S367L.
Identifiers: ClinVar variation 999145 (VCV000999145.11), dbSNP rs774726645, ClinGen allele CA2053184.